The following is an entry in ClinVar:

ClinVar aggregate classification (germline): Uncertain significance (1 of 4 stars; one submission).

Allele frequency attached by ClinVar (database versions not stated): gnomAD exomes 0.00001; TOPMed below 0.00001; gnomAD 0.00001.
gnomAD v4.1: 10 of 1,613,884 alleles (0.00062%); highest among the groups gnomAD compares: East Asian, 0.0022%; no homozygotes.

Submission:

Labcorp Genetics (formerly Invitae), Labcorp
Classification: Uncertain significance. Last evaluated: 2025-09-08. Review status: criteria provided, single submitter. Criteria: Invitae Variant Classification Sherloc (09022015). Collection method: clinical testing. Allele origin: germline.
Comment: This sequence change replaces arginine, which is basic and polar, with cysteine, which is neutral and slightly polar, at codon 358 of the CLTC protein (p.Arg358Cys). This variant is present in population databases (no rsID available, gnomAD 0.0009%). This variant has not been reported in the literature in individuals affected with CLTC-related conditions. ClinVar contains an entry for this variant (Variation ID: 2838409). Invitae Evidence Modeling of protein sequence and biophysical properties (such as structural, functional, and spatial information, amino acid conservation, physicochemical variation, residue mobility, and thermodynamic stability) has been performed for this missense variant. However, the output from this modeling did not meet the statistical confidence thresholds required to predict the impact of this variant on CLTC protein function. In summary, the available evidence is currently insufficient to determine the role of this variant in disease. Therefore, it has been classified as a Variant of Uncertain Significance.

NM_004859.4(CLTC):c.1060C>T (p.Arg354Cys)

Gene: CLTC (clathrin heavy chain; plus strand). Cytogenetic location: 17q23.1.
Variant type: single nucleotide variant.
Coding change: c.1060C>T on transcript NM_004859.4 (MANE Select); coding-DNA position 1060, C replaced by T.
Protein change: p.Arg354Cys; replaces arginine 354 with cysteine.
Molecular consequence: missense variant.
Genome position (GRCh38, 1-based): chr17:59,660,481, C>T. VCF-style: chr17-59660481-C-T. GRCh37 (hg19) VCF-style: chr17-57737842-C-T.
Other names: c.1072C>T, p.Arg358Cys (NM_001288653.2); short protein forms R354C, R358C.
Identifiers: ClinVar variation 2838409 (VCV002838409.3), dbSNP rs1344484363, ClinGen allele CA400423598.